The following is an entry in ClinVar:

NM_000553.6(WRN):c.1665del (p.Lys555_Val556insTer)

Gene: WRN (WRN RecQ like helicase; plus strand). Cytogenetic location: 8p12.
Variant type: Deletion.
Coding change: c.1665del on transcript NM_000553.6 (MANE Select); coding-DNA position 1665, one base deleted (A; older notation c.1665delA).
Protein change: p.Lys555_Val556insTer.
Molecular consequence: frameshift variant.
Genome position (GRCh38, 1-based): chr8:31,090,477, A deleted; the last of 3 consecutive A bases (chr8:31,090,475-31,090,477); deleting any one gives the same sequence. VCF-style (leftmost placement, unchanged base first): chr8-31090474-GA-G. GRCh37 (hg19) VCF-style: chr8-30947990-GA-G.
Identifiers: ClinVar variation 640381 (VCV000640381.7), dbSNP rs1585440064, ClinGen allele CA915945637.
Genomic context (GRCh38, chr8:31,090,474, plus strand): 5'-TTGGGTTTCTTATTAATAAAACAAAATAGCTTTTTGCTTTTCACCTTCAAGAGTTCAGTG[GA>G]AAGTGATTCATTCAGTATTAGAAGAAAGAAGAGATAATGTTGCTGTCATGGCAACTGGTA-3'

ClinVar aggregate classification (germline): Pathogenic/Likely pathogenic. Review status: criteria provided, multiple submitters, no conflicts (2 of 4 stars). 2 submissions from 2 submitters: Pathogenic (1); Likely pathogenic (1). Last evaluated 2024-04-23.

Conditions:
Werner syndrome (WRN). Identifiers: Orphanet 902, MedGen C0043119, MONDO:0010196, OMIM 277700.

Submissions (2):

Labcorp Genetics (formerly Invitae), Labcorp
Classification: Pathogenic for Werner syndrome. Last evaluated: 2024-04-23. Review status: criteria provided, single submitter. Criteria: Invitae Variant Classification Sherloc (09022015). Collection method: clinical testing. Allele origin: germline.
Comment: This sequence change creates a premature translational stop signal (p.Val556*) in the WRN gene. It is expected to result in an absent or disrupted protein product. Loss-of-function variants in WRN are known to be pathogenic (PMID: 16673358). This variant is not present in population databases (gnomAD no frequency). This variant has not been reported in the literature in individuals affected with WRN-related conditions. ClinVar contains an entry for this variant (Variation ID: 640381). For these reasons, this variant has been classified as Pathogenic.

Baylor Genetics
Classification: Likely pathogenic for Werner syndrome. Last evaluated: 2024-03-23. Review status: criteria provided, single submitter. Criteria: ACMG Guidelines, 2015. Collection method: clinical testing. Allele origin: unknown.

Literature cited by the submitters: PubMed 16673358 (cited by Labcorp Genetics (formerly Invitae), Labcorp).